The following is an entry in ClinVar:

NM_000392.5(ABCC2):c.1644C>A (p.Phe548Leu)

Gene: ABCC2 (ATP binding cassette subfamily C member 2; plus strand). Cytogenetic location: 10q24.2.
Variant type: single nucleotide variant.
Coding change: c.1644C>A on transcript NM_000392.5 (MANE Select); coding-DNA position 1644, C replaced by A.
Protein change: p.Phe548Leu; replaces phenylalanine 548 with leucine.
Molecular consequence: missense variant.
Genome position (GRCh38, 1-based): chr10:99,807,497, C>A. VCF-style: chr10-99807497-C-A. GRCh37 (hg19) VCF-style: chr10-101567254-C-A.
Other names: p.Phe548Leu; c.1644C>A (NM_000392.3); short protein forms F548L.
Identifiers: ClinVar variation 2634457 (VCV002634457.7), dbSNP rs758091787, ClinGen allele CA5643239.

ClinVar aggregate classification (germline): Uncertain significance. Review status: criteria provided, multiple submitters, no conflicts (2 of 4 stars). 4 submissions from 4 submitters: Uncertain significance (4). Last evaluated 2025-12-19.

Conditions:
ABCC2-related disorder. Also called: ABCC2-related condition.
Inborn genetic diseases. Identifiers: MedGen C0950123, MeSH D030342.

Allele frequency attached by ClinVar (database versions not stated): TOPMed 0.00002; ExAC 0.00003; gnomAD 0.00003.
gnomAD v4.1: 38 of 1,613,996 alleles (0.0024%); highest among the groups gnomAD compares: Middle Eastern, 0.049%; 1 homozygote.

Submissions (4):

PreventionGenetics, part of Exact Sciences
Classification: Uncertain significance for ABCC2-related condition. Last evaluated: 2025-12-19. Review status: criteria provided, single submitter. Criteria: ACMG Guidelines, 2015. Collection method: clinical testing. Allele origin: germline.
Comment: The ABCC2 c.1644C>A variant is predicted to result in the amino acid substitution p.Phe548Leu. To our knowledge, this variant has not been reported in the literature. This variant is reported in 0.0035% of alleles in individuals of European (non-Finnish) descent in gnomAD. At this time, the clinical significance of this variant is uncertain due to the absence of conclusive functional and genetic evidence.

Mayo Clinic Laboratories, Mayo Clinic
Classification: Uncertain significance. Last evaluated: 2025-09-22. Review status: criteria provided, single submitter. Criteria: ACMG Guidelines, 2015. Collection method: clinical testing. Allele origin: germline. Observed: 2 variant alleles.
Comment: PM2_supporting

Blueprint Genetics
Classification: Uncertain significance. Last evaluated: 2024-09-16. Review status: criteria provided, single submitter. Criteria: ACMG Guidelines, 2015. Collection method: clinical testing. Allele origin: germline.

Ambry Genetics
Classification: Uncertain significance for Inborn genetic diseases. Last evaluated: 2024-04-08. Review status: criteria provided, single submitter. Criteria: Ambry Variant Classification Scheme 2023. Collection method: clinical testing. Allele origin: germline.